The following is an entry in ClinVar:

ClinVar aggregate classification (germline): Pathogenic/Likely pathogenic. Review status: criteria provided, multiple submitters, no conflicts (2 of 4 stars). 2 submissions from 2 submitters: Pathogenic (1); Likely pathogenic (1). Last evaluated 2021-06-03.

Conditions:
Catecholaminergic polymorphic ventricular tachycardia 1. Also called: RYR2-Related Catecholaminergic Polymorphic Ventricular Tachycardia; VENTRICULAR TACHYCARDIA, CATECHOLAMINERGIC POLYMORPHIC, 1, WITH OR WITHOUT ATRIAL DYSFUNCTION AND/OR DILATED CARDIOMYOPATHY; VENTRICULAR TACHYCARDIA, STRESS-INDUCED POLYMORPHIC 1. Identifiers: Orphanet 3286, MedGen C1631597, MONDO:0011484, OMIM 604772.

Submissions (2):

Revvity Omics, Revvity
Classification: Likely pathogenic. Last evaluated: 2021-06-03. Review status: criteria provided, single submitter. Criteria: ACMG Guidelines, 2015. Collection method: clinical testing. Allele origin: germline.

Labcorp Genetics (formerly Invitae), Labcorp
Classification: Pathogenic for Catecholaminergic polymorphic ventricular tachycardia 1. Last evaluated: 2016-03-13. Review status: criteria provided, single submitter. Criteria: Invitae Variant Classification Sherloc (09022015). Collection method: clinical testing. Allele origin: germline.
Comment: This variant has been reported in an individual affected with catecholaminergic polymorphic ventricular tachycardia (CPVT) and an individual that suffered a cardiac arrest (PMID: 14571276 and Invitae database). In both cases this variant presumably occurred as a de novo mutational event. ClinVar contains an entry for this variant (Variation ID: 201387). This sequence change replaces valine with isoleucine at codon 2306 of the RYR2 protein (p.Val2306Ile). The valine residue is highly conserved and there is a small physicochemical difference between valine and isoleucine. This variant is not present in population databases (ExAC no frequency). Algorithms developed to predict the effect of missense changes on protein structure and function (SIFT, PolyPhen-2, Align-GVGD) all suggest that this variant is likely to be disruptive, but these predictions have not been confirmed by published functional studies. Furthermore, this variant occurs within one of the three regions of the RYR2 gene (N-terminal domain) where other pathogenic variants have been reported to cluster (PMID: 19926015). In summary, this missense variant is absent from population databases, is predicted to be deleterious, and has been reported in affected patients as the result of a de novo events. For these reasons, this variant has been classified as Pathogenic.

Literature cited by the submitters: PubMed 14571276 (cited by Labcorp Genetics (formerly Invitae), Labcorp); PubMed 19926015 (cited by Labcorp Genetics (formerly Invitae), Labcorp).

NM_001035.3(RYR2):c.6916G>A (p.Val2306Ile)

Gene: RYR2 (ryanodine receptor 2; plus strand). Cytogenetic location: 1q43.
Variant type: single nucleotide variant.
Coding change: c.6916G>A on transcript NM_001035.3 (MANE Select); coding-DNA position 6916, G replaced by A.
Protein change: p.Val2306Ile; replaces valine 2306 with isoleucine.
Molecular consequence: missense variant.
Genome position (GRCh38, 1-based): chr1:237,638,480, G>A. VCF-style: chr1-237638480-G-A. GRCh37 (hg19) VCF-style: chr1-237801780-G-A.
Other names: c.6916G>A, p.Val2306Ile (LRG_402t1); short protein forms V2306I.
Identifiers: ClinVar variation 201387 (VCV000201387.14), dbSNP rs794728746, ClinGen allele CA010384.